The following is an entry in ClinVar:

ClinVar aggregate classification (germline): Likely pathogenic. Review status: criteria provided, multiple submitters, no conflicts (2 of 4 stars). 2 submissions from 2 submitters: Likely pathogenic (2). Last evaluated 2024-08-01.

Conditions:
Cardiovascular phenotype. Identifiers: MedGen CN230736.
Dilated cardiomyopathy 1G (CMD1G). Identifiers: Orphanet 154, MedGen C1858763, MONDO:0011400, OMIM 604145.
Autosomal recessive limb-girdle muscular dystrophy type 2J (LGMDR10). Also called: Limb-girdle muscular dystrophy, type 2J; MUSCULAR DYSTROPHY, LIMB-GIRDLE, AUTOSOMAL RECESSIVE 10. Identifiers: Orphanet 140922, MedGen C1837342, MONDO:0012127, OMIM 608807.

Submissions (2):

Ambry Genetics
Classification: Likely pathogenic for Cardiovascular phenotype. Last evaluated: 2024-08-01. Review status: criteria provided, single submitter. Criteria: Ambry Variant Classification Scheme 2023. Collection method: clinical testing. Allele origin: germline.
Comment: The p.W24645* variant (also known as c.73934G>A), located in coding exon 185 of the TTN gene, results from a G to A substitution at nucleotide position 73934. This changes the amino acid from a tryptophan to a stop codon within coding exon 185. This exon is located in the M-band region of the N2-B isoform of the titin protein and is constitutively expressed in TTN transcripts (percent spliced in or PSI 100%). This variant is considered to be rare based on population cohorts in the Genome Aggregation Database (gnomAD). This alteration is expected to result in loss of function by premature protein truncation or nonsense-mediated mRNA decay. While truncating variants in TTN are present in 1-3% of the general population, truncating variants in the M-band have been reported in association with autosomal recessive titinopathies, primarily presenting with skeletal myopathy phenotypes (Ceyhan-Birsoy O et al. Neurology. 2013 Oct 1;81(14):1205-14; De Cid R et al. Neurology. 2015;85(24):2126-35). In addition, regardless of their position, TTN truncating variants encoded in constitutive exons (PSI >90%) have been found to be significantly associated with dilated cardiomyopathy (DCM), though truncating variants in the A-band are the most common cause of DCM (Herman DS et al. N. Engl. J. Med., 2012 Feb;366:619-28; Roberts AM et al. Sci Transl Med, 2015 Jan;7:270ra6; Schafer S et al. Nat. Genet., 2017 01;49:46-53). Based on the majority of available evidence to date, this variant is likely to be pathogenic in association with autosomal recessive titinopathy; however, the clinical significance of this alteration with respect to cardiomyopathy remains unclear.

Labcorp Genetics (formerly Invitae), Labcorp
Classification: Likely pathogenic for Dilated cardiomyopathy 1G; Autosomal recessive limb-girdle muscular dystrophy type 2J. Last evaluated: 2024-03-21. Review status: criteria provided, single submitter. Criteria: Invitae Variant Classification Sherloc (09022015). Collection method: clinical testing. Allele origin: germline.
Comment: This sequence change creates a premature translational stop signal (p.Trp33710*) in the TTN gene. While this is not anticipated to result in nonsense mediated decay, it is expected to create a truncated TTN protein. This variant is not present in population databases (gnomAD no frequency). This variant has not been reported in the literature in individuals affected with TTN-related conditions. ClinVar contains an entry for this variant (Variation ID: 2026496). This variant is located in the M band of TTN (PMID: 25589632). Truncating variants in this region have been previously reported in individuals affected with autosomal recessive myopathy and muscular dystrophy (PMID: 18948003, 23975875, 24395473). Truncating variants in this region have also been identified in individuals affected with autosomal dominant dilated cardiomyopathy and/or cardio-related conditions (PMID: 27869827, 32964742, Invitae internal data). In summary, the currently available evidence indicates that the variant is pathogenic, but additional data are needed to prove that conclusively. Therefore, this variant has been classified as Likely Pathogenic.

Literature cited by the submitters: PubMed 25589632 (cited by Labcorp Genetics (formerly Invitae), Labcorp); PubMed 18948003 (cited by Labcorp Genetics (formerly Invitae), Labcorp); PubMed 23975875 (cited by Labcorp Genetics (formerly Invitae), Labcorp); PubMed 24395473 (cited by Labcorp Genetics (formerly Invitae), Labcorp); PubMed 27869827 (cited by Labcorp Genetics (formerly Invitae), Labcorp); PubMed 32964742 (cited by Labcorp Genetics (formerly Invitae), Labcorp).

NM_001267550.2(TTN):c.101129G>A (p.Trp33710Ter)

Genes: TTN (titin; minus strand), TTN-AS1 (TTN antisense RNA 1; plus strand). Cytogenetic location: 2q31.2.
Variant type: single nucleotide variant.
Coding change: c.101129G>A on transcript NM_001267550.2 (MANE Select); coding-DNA position 101129, G replaced by A.
Protein change: p.Trp33710Ter; replaces tryptophan 33710 with a stop codon.
Molecular consequence: nonsense.
Genome position (GRCh38, 1-based): chr2:178,535,486, C>T on the plus strand (G>A on the coding strand, the complement: TTN is on the minus strand). VCF-style: chr2-178535486-C-T. GRCh37 (hg19) VCF-style: chr2-179400213-C-T.
Other names: c.74309G>A, p.Trp24770Ter (NM_133432.3); c.74510G>A, p.Trp24837Ter (NM_133437.4); c.96206G>A, p.Trp32069Ter (NM_001256850.1); c.73934G>A, p.Trp24645Ter (NM_003319.4); c.93425G>A, p.Trp31142Ter (NM_133378.4); short protein forms W24645*, W31142*, W24770*, W33710*, W24837*, W32069*.
Identifiers: ClinVar variation 2026496 (VCV002026496.5), dbSNP rs2468576682, ClinGen allele CA349421618.